The following is an entry in ClinVar:

NC_012920.1(MT-ATP6):m.9070T>C

Gene: MT-ATP6 (mitochondrially encoded ATP synthase 6; plus strand).
Variant type: single nucleotide variant.
Genome position: chrM-9070-T-C.
Identifiers: ClinVar variation 693073 (VCV000693073.2), dbSNP rs879190502, ClinGen allele CA414802098.

ClinVar aggregate classification (germline): Uncertain significance (1 of 4 stars; one submission).

Conditions:
Leigh syndrome (NULS). Also called: Leigh's necrotizing encephalopathy; Leigh's disease; Leigh Syndrome (mtDNA deletion); Leigh Disease; Subacute necrotizing encephalopathy; Necrotizing encephalopathy infantile subacute of Leigh. Identifiers: Orphanet 506, MedGen C2931891, MONDO:0009723, OMIM 256000.

Submission:

Wong Mito Lab, Molecular and Human Genetics, Baylor College of Medicine
Classification: Uncertain significance for Leigh syndrome. Last evaluated: 2019-10-17. Review status: criteria provided, single submitter. Criteria: Modified ACMG Guidelines (Unpublished). Collection method: clinical testing. Allele origin: germline.
Comment: The NC_012920.1:m.9070T>C (YP_003024031.1:p.Ser182Pro) variant in MTATP6 gene is interpretated to be a Uncertain Significance variant based on the modified ACMG guidelines (unpublished). This variant meets the following evidence codes: BS4